The following is an entry in ClinVar:

NM_000441.2(SLC26A4):c.1740G>A (p.Lys580=)

Gene: SLC26A4 (solute carrier family 26 member 4; plus strand). Cytogenetic location: 7q22.3.
Variant type: single nucleotide variant.
Coding change: c.1740G>A on transcript NM_000441.2 (MANE Select); coding-DNA position 1740, G replaced by A.
Protein change: p.Lys580=; no amino-acid change (lysine 580 retained).
Molecular consequence: synonymous variant.
Genome position (GRCh38, 1-based): chr7:107,701,133, G>A. VCF-style: chr7-107701133-G-A. GRCh37 (hg19) VCF-style: chr7-107341578-G-A.
Identifiers: ClinVar variation 667160 (VCV000667160.18), dbSNP rs573894071, ClinGen allele CA4432938.
Genomic context (GRCh38, chr7:107,701,133, plus strand): 5'-TTAAGTAACTTGACATTTATTTCCAAAGGTTGGATTTGATGCCATTAGAGTATATAATAA[G>A]AGGCTGAAAGCGCTGAGGAAAATACAGAAACTAATAAAAAGTGGACAATTAAGAGCAACA-3'
Protein context (NP_000432.1, residues 570-590): VGFDAIRVYN[Lys580=]RLKALRKIQK

ClinVar aggregate classification (germline): Benign/Likely benign. Review status: criteria provided, multiple submitters, no conflicts (2 of 4 stars). 5 submissions from 5 submitters: Benign (1); Likely benign (3). 1 of the submissions does not count toward it. Last evaluated 2026-01-09.

Conditions:
Pendred syndrome (PDS). Also called: Pendred's syndrome; HYPOTHYROIDISM, CONGENITAL, DUE TO DYSHORMONOGENESIS, 2B; THYROID DYSHORMONOGENESIS 2B; THYROID HORMONOGENESIS, GENETIC DEFECT IN, 2B; Pendred Syndrome (PDS); DEAFNESS WITH GOITER. Identifiers: Orphanet 705, MedGen C0271829, MONDO:0010134, OMIM 274600.

Allele frequency attached by ClinVar (database versions not stated): gnomAD 0.00003 and 0.00006; TOPMed 0.00003; gnomAD exomes 0.00008 and 0.00016; ExAC 0.00011.
gnomAD v4.1: 55 of 1,611,050 alleles (0.0034%); highest among the groups gnomAD compares: Admixed American, 0.09%; 1 homozygote.

Submissions (5):

Labcorp Genetics (formerly Invitae), Labcorp
Classification: Benign. Last evaluated: 2026-01-09. Review status: criteria provided, single submitter. Criteria: Invitae Variant Classification Sherloc (09022015). Collection method: clinical testing. Allele origin: germline.

CeGaT Center for Human Genetics Tuebingen
Classification: Likely benign. Last evaluated: 2026-01-01. Review status: criteria provided, single submitter. Criteria: CeGaT Center For Human Genetics Tuebingen Variant Classification Criteria Version 2. Collection method: clinical testing. Allele origin: germline. Affected: yes. Observed: 1 variant allele.
Comment: SLC26A4: BP4, BP7

GeneDx
Classification: Likely benign. Last evaluated: 2020-12-21. Review status: criteria provided, single submitter. Criteria: GeneDx Variant Classification Process June 2021. Collection method: clinical testing. Allele origin: germline. Affected: yes.
Comment: This variant is associated with the following publications: (PMID: 21704276)

Laboratory for Molecular Medicine, Mass General Brigham Personalized Medicine
Classification: Likely benign. Last evaluated: 2017-08-23. Review status: criteria provided, single submitter. Criteria: LMM Criteria. Collection method: clinical testing. Allele origin: germline. Observed: 1 variant allele.
Comment: p.Lys580Lys in exon 16 of SLC26A4: This variant is not expected to have clinical significance because it does not alter an amino acid residue and is not located within the splice consensus sequence. It has been identified in 0.11% (13/11524 ) of Latino chromosomes by the Exome Aggregation Consortium (ExAC; dbSNP rs573894071).

Natera, Inc.
Classification: Likely benign for Pendred syndrome. Last evaluated: 2020-03-18. Review status: no assertion criteria provided. Collection method: clinical testing. Allele origin: germline. Not counted in ClinVar's aggregate classification.